The following is an entry in ClinVar:

ClinVar aggregate classification (germline): Uncertain significance (1 of 4 stars; one submission).

Allele frequency attached by ClinVar (database versions not stated): ExAC 0.00004.
gnomAD v4.1: 191 of 1,611,734 alleles (0.012%); highest among the groups gnomAD compares: Non-Finnish European, 0.015%; no homozygotes.

Submission:

Labcorp Genetics (formerly Invitae), Labcorp
Classification: Uncertain significance. Last evaluated: 2025-12-16. Review status: criteria provided, single submitter. Criteria: Invitae Variant Classification Sherloc (09022015). Collection method: clinical testing. Allele origin: germline.
Comment: This sequence change falls in intron 8 of the ALPK1 gene. It does not directly change the encoded amino acid sequence of the ALPK1 protein. It affects a nucleotide within the consensus splice site. This variant is present in population databases (rs767554894, gnomAD 0.01%). This variant has not been reported in the literature in individuals affected with ALPK1-related conditions. ClinVar contains an entry for this variant (Variation ID: 2197869). Variants that disrupt the consensus splice site are a relatively common cause of aberrant splicing (PMID: 17576681, 9536098). Algorithms developed to predict the effect of sequence changes on RNA splicing suggest that this variant is not likely to affect RNA splicing. In summary, the available evidence is currently insufficient to determine the role of this variant in disease. Therefore, it has been classified as a Variant of Uncertain Significance.

Literature cited by the submitters: PubMed 17576681; PubMed 9536098.

NM_025144.4(ALPK1):c.700-3C>T

Gene: ALPK1 (alpha kinase 1; plus strand). Cytogenetic location: 4q25.
Variant type: single nucleotide variant.
Coding change: c.700-3C>T on transcript NM_025144.4 (MANE Select); 3 bases into the intron before coding-DNA position 700, C replaced by T.
Molecular consequence: intron variant.
Genome position (GRCh38, 1-based): chr4:112,427,567, C>T. VCF-style: chr4-112427567-C-T. GRCh37 (hg19) VCF-style: chr4-113348723-C-T.
Other names: c.700-3C>T (NM_001102406.2); c.466-3C>T (NM_001253884.2).
Identifiers: ClinVar variation 2197869 (VCV002197869.4), dbSNP rs767554894, ClinGen allele CA3046534.